The following is an entry in ClinVar:

ClinVar aggregate classification (germline): Pathogenic (1 of 4 stars; one submission).

Conditions:
Hereditary cancer-predisposing syndrome. Also called: Neoplastic Syndromes, Hereditary; Tumor predisposition; Hereditary Cancer Syndrome; Hereditary neoplastic syndrome. Identifiers: Orphanet 140162, MedGen C0027672, MeSH D009386, MONDO:0015356.

Submission:

Ambry Genetics
Classification: Pathogenic for Hereditary cancer-predisposing syndrome. Last evaluated: 2022-08-30. Review status: criteria provided, single submitter. Criteria: Ambry Variant Classification Scheme 2023. Collection method: clinical testing. Allele origin: germline.
Comment: The c.2197delG pathogenic mutation, located in coding exon 13 of the PMS2 gene, results from a deletion of one nucleotide at nucleotide position 2197, causing a translational frameshift with a predicted alternate stop codon (p.A733Lfs*7). This alteration is expected to result in loss of function by premature protein truncation or nonsense-mediated mRNA decay. As such, this alteration is interpreted as a disease-causing mutation.

NM_000535.7(PMS2):c.2197del (p.Ala733fs)

Gene: PMS2 (PMS1 homolog 2, mismatch repair system component; minus strand). Cytogenetic location: 7p22.1.
Variant type: Deletion.
Coding change: c.2197del on transcript NM_000535.7 (MANE Select); coding-DNA position 2197, one base deleted (G; older notation c.2197delG).
Protein change: p.Ala733fs; shifts the reading frame from alanine 733.
Molecular consequence: frameshift variant. On other transcripts: non-coding transcript variant (1).
Genome position (GRCh38, 1-based): chr7:5,978,674, C deleted on the plus strand (G on the coding strand, the reverse complement: PMS2 is on the minus strand). VCF-style (leftmost placement, unchanged base first): chr7-5978673-GC-G. GRCh37 (hg19) VCF-style: chr7-6018304-GC-G.
Other names: c.1792delG, p.Ala598Leufs (NM_001018040.1, NM_001406887.1, NM_001406888.1 and 11 more transcripts); c.1792del, p.Ala598fs (NM_001322003.2, NM_001322004.2, NM_001322005.2 and 1 more transcripts); c.2041del, p.Ala681fs (NM_001322006.2); c.1879del, p.Ala627fs (NM_001322007.2, NM_001322008.2); c.1636del, p.Ala546fs (NM_001322010.2); c.1264del, p.Ala422fs (NM_001322011.2, NM_001322012.2); c.1624del, p.Ala542fs (NM_001322013.2); c.2197del, p.Ala733fs (NM_001322014.2); and 20 more; short protein forms A422fs, A546fs, A598fs, A542fs, A627fs, A733fs, A630fs, A681fs.
Identifiers: ClinVar variation 1787505 (VCV001787505.2), dbSNP rs2535397538, ClinGen allele CA2580076826.